The following is an entry in ClinVar:

NM_012281.3(KCND2):c.1468-3C>T

Gene: KCND2 (potassium voltage-gated channel subfamily D member 2; plus strand). Cytogenetic location: 7q31.31.
Variant type: single nucleotide variant.
Coding change: c.1468-3C>T on transcript NM_012281.3 (MANE Select); 3 bases into the intron before coding-DNA position 1468, C replaced by T.
Molecular consequence: intron variant.
Genome position (GRCh38, 1-based): chr7:120,745,777, C>T. VCF-style: chr7-120745777-C-T. GRCh37 (hg19) VCF-style: chr7-120385831-C-T.
Identifiers: ClinVar variation 529701 (VCV000529701.14), dbSNP rs780123780, ClinGen allele CA658797001.

ClinVar aggregate classification (germline): Uncertain significance. Review status: criteria provided, multiple submitters, no conflicts (2 of 4 stars). 2 submissions from 2 submitters: Uncertain significance (2). Last evaluated 2025-10-01.

Conditions:
Early Myoclonic Encephalopathy. Identifiers: MedGen C0270855.

gnomAD v4.1: 1 of 1,613,500 alleles (0.000062%); highest among the groups gnomAD compares: Non-Finnish European, 0.000085%; no homozygotes.

Submissions (2):

CeGaT Center for Human Genetics Tuebingen
Classification: Uncertain significance. Last evaluated: 2025-10-01. Review status: criteria provided, single submitter. Criteria: CeGaT Center For Human Genetics Tuebingen Variant Classification Criteria Version 2. Collection method: clinical testing. Allele origin: germline. Affected: yes. Observed: 1 variant allele.
Comment: KCND2: PM2, BP4

Labcorp Genetics (formerly Invitae), Labcorp
Classification: Uncertain significance for Early Myoclonic Encephalopathy. Last evaluated: 2025-04-25. Review status: criteria provided, single submitter. Criteria: Invitae Variant Classification Sherloc (09022015). Collection method: clinical testing. Allele origin: germline.
Comment: This sequence change falls in intron 4 of the KCND2 gene. It does not directly change the encoded amino acid sequence of the KCND2 protein. It affects a nucleotide within the consensus splice site. This variant is not present in population databases (gnomAD no frequency). This variant has not been reported in the literature in individuals affected with KCND2-related conditions. ClinVar contains an entry for this variant (Variation ID: 529701). Variants that disrupt the consensus splice site are a relatively common cause of aberrant splicing (PMID: 17576681, 9536098). Algorithms developed to predict the effect of sequence changes on RNA splicing suggest that this variant is not likely to affect RNA splicing. In summary, the available evidence is currently insufficient to determine the role of this variant in disease. Therefore, it has been classified as a Variant of Uncertain Significance.

Literature cited by the submitters: PubMed 17576681 (cited by Labcorp Genetics (formerly Invitae), Labcorp); PubMed 9536098 (cited by Labcorp Genetics (formerly Invitae), Labcorp).